The following is an entry in ClinVar:

ClinVar aggregate classification (germline): Uncertain significance (1 of 4 stars; one submission).

Conditions:
Primary ciliary dyskinesia. Also called: Ciliary dyskinesia. Identifiers: Orphanet 244, MedGen C0008780, MONDO:0016575, HP:0012265.

Allele frequency attached by ClinVar (database versions not stated): gnomAD exomes below 0.00001; gnomAD 0.00001; TOPMed 0.00004.
gnomAD v4.1: 4 of 1,532,294 alleles (0.00026%); highest among the groups gnomAD compares: Admixed American, 0.0095%; no homozygotes.

Submission:

Labcorp Genetics (formerly Invitae), Labcorp
Classification: Uncertain significance for Primary ciliary dyskinesia. Last evaluated: 2021-08-31. Review status: criteria provided, single submitter. Criteria: Invitae Variant Classification Sherloc (09022015). Collection method: clinical testing. Allele origin: germline.
Comment: This sequence change replaces phenylalanine with leucine at codon 258 of the DNAH8 protein (p.Phe258Leu). The phenylalanine residue is moderately conserved and there is a small physicochemical difference between phenylalanine and leucine. This variant is not present in population databases (ExAC no frequency). This variant has not been reported in the literature in individuals affected with DNAH8-related conditions. Algorithms developed to predict the effect of missense changes on protein structure and function are either unavailable or do not agree on the potential impact of this missense change (SIFT: "Deleterious"; PolyPhen-2: "Not Available"; Align-GVGD: "Class C0"). In summary, the available evidence is currently insufficient to determine the role of this variant in disease. Therefore, it has been classified as a Variant of Uncertain Significance.

NM_001206927.2(DNAH8):c.774T>A (p.Phe258Leu)

Gene: DNAH8 (dynein axonemal heavy chain 8; plus strand). Cytogenetic location: 6p21.2.
Variant type: single nucleotide variant.
Coding change: c.774T>A on transcript NM_001206927.2 (MANE Select); coding-DNA position 774, T replaced by A.
Protein change: p.Phe258Leu; replaces phenylalanine 258 with leucine.
Molecular consequence: missense variant.
Genome position (GRCh38, 1-based): chr6:38,737,078, T>A. VCF-style: chr6-38737078-T-A. GRCh37 (hg19) VCF-style: chr6-38704854-T-A.
Other names: c.123T>A, p.Phe41Leu (NM_001371.4); short protein forms F258L, F41L.
Identifiers: ClinVar variation 566411 (VCV000566411.6), dbSNP rs1056358638, ClinGen allele CA137573760.